The following is an entry in ClinVar:

NM_000975.5(RPL11):c.277G>T (p.Glu93Ter)

Gene: RPL11 (ribosomal protein L11; plus strand). Cytogenetic location: 1p36.11.
Variant type: single nucleotide variant.
Coding change: c.277G>T on transcript NM_000975.5 (MANE Select); coding-DNA position 277, G replaced by T.
Protein change: p.Glu93Ter; replaces glutamic acid 93 with a stop codon.
Molecular consequence: nonsense.
Genome position (GRCh38, 1-based): chr1:23,694,672, G>T. VCF-style: chr1-23694672-G-T. GRCh37 (hg19) VCF-style: chr1-24021162-G-T.
Other names: c.274G>T, p.Glu92Ter (NM_001199802.1); short protein forms E92*, E93*.
Identifiers: ClinVar variation 4885265 (VCV004885265.2).

ClinVar aggregate classification (germline): Likely pathogenic (1 of 4 stars; one submission).

Submission:

Dasa
Classification: Likely pathogenic. Last evaluated: 2026-02-10. Review status: criteria provided, single submitter. Criteria: DASA Assertion Criteria. Collection method: clinical testing. Allele origin: germline.
Comment: NM_000975.5(RPL11):c.277G>T (p.Glu93*) is a nonsense variant in RPL11 predicted to introduce a premature termination codon and is predicted to result in an absent or altered protein product. Loss of function is an established disease mechanism for RPL11-associated disorders. Also, this variant is absent from population databases. Based on the currently available evidence, this variant is classified as likely pathogenic.